The following is an entry in ClinVar:

NM_000553.6(WRN):c.2428T>C (p.Phe810Leu)

Gene: WRN (WRN RecQ like helicase; plus strand). Cytogenetic location: 8p12.
Variant type: single nucleotide variant.
Coding change: c.2428T>C on transcript NM_000553.6 (MANE Select); coding-DNA position 2428, T replaced by C.
Protein change: p.Phe810Leu; replaces phenylalanine 810 with leucine.
Molecular consequence: missense variant.
Genome position (GRCh38, 1-based): chr8:31,116,508, T>C. VCF-style: chr8-31116508-T-C. GRCh37 (hg19) VCF-style: chr8-30974024-T-C.
Other names: short protein forms F810L.
Identifiers: ClinVar variation 851643 (VCV000851643.5), dbSNP rs1801529159, ClinGen allele CA370914034.

ClinVar aggregate classification (germline): Uncertain significance (1 of 4 stars; one submission).

Conditions:
Werner syndrome (WRN). Identifiers: Orphanet 902, MedGen C0043119, MONDO:0010196, OMIM 277700.

Submission:

Labcorp Genetics (formerly Invitae), Labcorp
Classification: Uncertain significance for Werner syndrome. Last evaluated: 2019-12-02. Review status: criteria provided, single submitter. Criteria: Invitae Variant Classification Sherloc (09022015). Collection method: clinical testing. Allele origin: germline.
Comment: In summary, the available evidence is currently insufficient to determine the role of this variant in disease. Therefore, it has been classified as a Variant of Uncertain Significance. Algorithms developed to predict the effect of missense changes on protein structure and function are either unavailable or do not agree on the potential impact of this missense change (SIFT: "Deleterious"; PolyPhen-2: "Probably Damaging"; Align-GVGD: "Class C0"). This variant has not been reported in the literature in individuals with WRN-related conditions. This variant is not present in population databases (ExAC no frequency). This sequence change replaces phenylalanine with leucine at codon 810 of the WRN protein (p.Phe810Leu). The phenylalanine residue is highly conserved and there is a small physicochemical difference between phenylalanine and leucine.